The following is an entry in ClinVar:

ClinVar aggregate classification (germline): Likely benign. Review status: criteria provided, multiple submitters, no conflicts (2 of 4 stars). 6 submissions from 6 submitters: Likely benign (5). 1 of the submissions does not count toward it. Last evaluated 2026-01-25.

Conditions:
Polymerase proofreading-related adenomatous polyposis. Also called: Polymerase proofreading associated polyposis; Polymerase proofreading–associated polyposis (PPAP). Identifiers: Orphanet 447877, MedGen C5202613, MONDO:0018653.
POLD1-related polyposis and colorectal cancer syndrome (CRCS10). Also called: Colorectal cancer 10; COLORECTAL CANCER, SUSCEPTIBILITY TO, ON CHROMOSOME 19q; Colorectal cancer, susceptibility to, 10. Identifiers: Orphanet 220460, MedGen C2675481, MONDO:0012953, OMIM 612591.
Hereditary cancer-predisposing syndrome. Also called: Neoplastic Syndromes, Hereditary; Hereditary neoplastic syndrome; Tumor predisposition; Hereditary Cancer Syndrome. Identifiers: Orphanet 140162, MedGen C0027672, MeSH D009386, MONDO:0015356.

Allele frequency attached by ClinVar (database versions not stated): ExAC 0.00001; gnomAD 0.00002; gnomAD exomes 0.00002; TOPMed 0.00003; ESP Exome Variant Server 0.00008.
gnomAD v4.1: 31 of 1,613,824 alleles (0.0019%); highest among the groups gnomAD compares: African/African-American, 0.0027%; no homozygotes.

Submissions (6):

Labcorp Genetics (formerly Invitae), Labcorp
Classification: Likely benign for POLD1-related polyposis and colorectal cancer syndrome. Last evaluated: 2026-01-25. Review status: criteria provided, single submitter. Criteria: Invitae Variant Classification Sherloc (09022015). Collection method: clinical testing. Allele origin: germline.

Center for Genomic Medicine, Rigshospitalet, Copenhagen University Hospital
Classification: Likely benign. Last evaluated: 2025-03-04. Review status: criteria provided, single submitter. Criteria: ACMG Guidelines, 2015. Collection method: clinical testing. Allele origin: germline.

Sema4
Classification: Likely benign for Hereditary cancer-predisposing syndrome. Last evaluated: 2021-03-08. Review status: criteria provided, single submitter. Criteria: Sema4 Curation Guidelines. Collection method: curation. Allele origin: germline.

GeneDx
Classification: Likely benign. Last evaluated: 2018-04-12. Review status: criteria provided, single submitter. Criteria: GeneDx Variant Classification (06012015). Collection method: clinical testing. Allele origin: germline. Affected: yes.
Comment: This variant is considered likely benign or benign based on one or more of the following criteria: it is a conservative change, it occurs at a poorly conserved position in the protein, it is predicted to be benign by multiple in silico algorithms, and/or has population frequency not consistent with disease.

Ambry Genetics
Classification: Likely benign for Hereditary cancer-predisposing syndrome. Last evaluated: 2016-12-09. Review status: criteria provided, single submitter. Criteria: Ambry Variant Classification Scheme 2023. Collection method: clinical testing. Allele origin: germline.

Department of Pathology and Laboratory Medicine, Sinai Health System
Classification: Benign for Polymerase proofreading-related adenomatous polyposis. Review status: no assertion criteria provided. Collection method: clinical testing. Allele origin: unknown. Affected: yes. Observed: 1 variant allele. Study: The Canadian Open Genetics Repository (COGR). Not counted in ClinVar's aggregate classification.
Comment: The POLD1 p.Pro11= variant was not identified in the literature. The variant was identified in dbSNP (ID: rs3218768) as "With Benign allele ", ClinVar (4x as benign by Invitae, GeneDx, Ambry Genetics, Quest Diagnostics Nichols Institute San Juan Capistrano), and LOVD 3.0. The variant was identified in control databases in 937 of 261746 chromosomes (25 homozygous) at a frequency of 0.004, increasing the likelihood this could be a low frequency benign variant (Genome Aggregation Database Feb 27, 2017). The variant was observed in the following populations: East Asian in 913 of 18194 chromosomes (freq: 0.05), Other in 10 of 6104 chromosomes (freq: 0.002), Latino in 4 of 33324 chromosomes (freq: 0.0001), European in 2 of 118794 chromosomes (freq: 0.00002), and South Asian in 8 of 29432 chromosomes (freq: 0.0003); it was not observed in the African, Ashkenazi Jewish, or Finnish populations. The p.Pro11= variant is not expected to have clinical significance because it does not result in a change of amino acid and is not located in a known consensus splice site. In addition, in silico or computational prediction software programs (SpliceSiteFinder, MaxEntScan, NNSPLICE, GeneSplicer, HumanSpliceFinder) do not predict a difference in splicing. In summary, based on the above information this variant meets our laboratory's criteria to be classified as benign.

NM_002691.4(POLD1):c.1791C>T (p.Pro597=)

Gene: POLD1 (DNA polymerase delta 1, catalytic subunit; plus strand). Cytogenetic location: 19q13.33.
Variant type: single nucleotide variant.
Coding change: c.1791C>T on transcript NM_002691.4 (MANE Select); coding-DNA position 1791, C replaced by T.
Protein change: p.Pro597=; no amino-acid change (proline 597 retained).
Molecular consequence: synonymous variant. On other transcripts: non-coding transcript variant (1).
Genome position (GRCh38, 1-based): chr19:50,408,800, C>T. VCF-style: chr19-50408800-C-T. GRCh37 (hg19) VCF-style: chr19-50912057-C-T.
Other names: c.1791C>T, p.Pro597= (NM_001256849.1); c.1869C>T, p.Pro623= (NM_001308632.1).
Identifiers: ClinVar variation 469220 (VCV000469220.24), dbSNP rs138293440, ClinGen allele CA9596285.